The following is an entry in ClinVar:

ClinVar aggregate classification (germline): Pathogenic (1 of 4 stars; one submission).

Submission:

Labcorp Genetics (formerly Invitae), Labcorp
Classification: Pathogenic. Last evaluated: 2023-04-26. Review status: criteria provided, single submitter. Criteria: Invitae Variant Classification Sherloc (09022015). Collection method: clinical testing. Allele origin: germline.
Comment: For these reasons, this variant has been classified as Pathogenic. This sequence change creates a premature translational stop signal (p.Thr279Profs*14) in the TET2 gene. It is expected to result in an absent or disrupted protein product. Loss-of-function variants in TET2 are known to be pathogenic (PMID: 36066697). This variant is not present in population databases (gnomAD no frequency). This variant has not been reported in the literature in individuals affected with TET2-related conditions.

Literature cited by the submitters: PubMed 36066697.

NM_001127208.3(TET2):c.834del (p.Thr279fs)

Genes: TET2 (tet methylcytosine dioxygenase 2; plus strand), TET2-AS1 (TET2 antisense RNA 1; minus strand). Cytogenetic location: 4q24.
Variant type: Deletion.
Coding change: c.834del on transcript NM_001127208.3 (MANE Select); coding-DNA position 834, one base deleted (G; older notation c.834delG).
Protein change: p.Thr279fs; shifts the reading frame from threonine 279.
Molecular consequence: frameshift variant.
Genome position (GRCh38, 1-based): chr4:105,234,776, G deleted. VCF-style (leftmost placement, unchanged base first): chr4-105234775-AG-A. GRCh37 (hg19) VCF-style: chr4-106155932-AG-A.
Other names: c.834del, p.Thr279fs (NM_017628.4); short protein forms T279fs.
Identifiers: ClinVar variation 2859380 (VCV002859380.3), dbSNP rs2476483877, ClinGen allele CA2739270212.